The following is an entry in ClinVar:

ClinVar aggregate classification (germline): Uncertain significance (1 of 4 stars; one submission).

Conditions:
MHC class II deficiency. Also called: BLS, TYPE II; Bare lymphocyte syndrome 2. Identifiers: Orphanet 572, MedGen C5447452, MONDO:0008855.

gnomAD v4.1: 1 of 1,613,482 alleles (0.000062%); highest among the groups gnomAD compares: East Asian, 0.0022%; no homozygotes.

Submission:

Labcorp Genetics (formerly Invitae), Labcorp
Classification: Uncertain significance for MHC class II deficiency. Last evaluated: 2021-11-22. Review status: criteria provided, single submitter. Criteria: Invitae Variant Classification Sherloc (09022015). Collection method: clinical testing. Allele origin: germline.
Comment: This sequence change replaces arginine, which is basic and polar, with leucine, which is neutral and non-polar, at codon 580 of the CIITA protein (p.Arg580Leu). This variant is not present in population databases (gnomAD no frequency). This variant has not been reported in the literature in individuals affected with CIITA-related conditions. Algorithms developed to predict the effect of missense changes on protein structure and function are either unavailable or do not agree on the potential impact of this missense change (SIFT: "Deleterious"; PolyPhen-2: "Possibly Damaging"; Align-GVGD: "Class C15"). In summary, the available evidence is currently insufficient to determine the role of this variant in disease. Therefore, it has been classified as a Variant of Uncertain Significance.

NM_000246.4(CIITA):c.1739G>T (p.Arg580Leu)

Gene: CIITA (class II major histocompatibility complex transactivator; plus strand). Cytogenetic location: 16p13.13.
Variant type: single nucleotide variant.
Coding change: c.1739G>T on transcript NM_000246.4 (MANE Select); coding-DNA position 1739, G replaced by T.
Protein change: p.Arg580Leu; replaces arginine 580 with leucine.
Molecular consequence: missense variant. On other transcripts: intron variant (1).
Genome position (GRCh38, 1-based): chr16:10,907,231, G>T. VCF-style: chr16-10907231-G-T. GRCh37 (hg19) VCF-style: chr16-11001088-G-T.
Other names: c.1742G>T, p.Arg581Leu (NM_001286402.1, NM_001379332.1); c.1595G>T, p.Arg532Leu (NM_001379330.1); c.1592G>T, p.Arg531Leu (NM_001379331.1); c.1739G>T, p.Arg580Leu (NM_001379333.1); c.1670G>T, p.Arg557Leu (NM_001379334.1); c.860-1752G>T (NM_001286403.2); short protein forms R581L, R531L, R580L, R532L, R557L.
Identifiers: ClinVar variation 1446897 (VCV001446897.3), dbSNP rs140269818, ClinGen allele CA394731655.
Genomic context (GRCh38, chr16:10,907,231, plus strand): 5'-CCGACGCCCTATTTGAGCTGTCCGGCTTCTCCATGGAGCAGGCCCAGGCATACGTGATGC[G>T]CTACTTTGAGAGCTCAGGGATGACAGAGCACCAAGACAGAGCCCTGACGCTCCTCCGGGA-3'
Protein context (NP_000237.2, residues 570-590): SMEQAQAYVM[Arg580Leu]YFESSGMTEH